The following is an entry in ClinVar:

NM_052874.5(STX1B):c.391A>G (p.Thr131Ala)

Gene: STX1B (syntaxin 1B; minus strand). Cytogenetic location: 16p11.2.
Variant type: single nucleotide variant.
Coding change: c.391A>G on transcript NM_052874.5 (MANE Select); coding-DNA position 391, A replaced by G.
Protein change: p.Thr131Ala; replaces threonine 131 with alanine.
Molecular consequence: missense variant.
Genome position (GRCh38, 1-based): chr16:30,997,023, T>C on the plus strand (A>G on the coding strand, the complement: STX1B is on the minus strand). VCF-style: chr16-30997023-T-C. GRCh37 (hg19) VCF-style: chr16-31008344-T-C.
Other names: short protein forms T131A.
Identifiers: ClinVar variation 1503475 (VCV001503475.8), dbSNP rs2143669401, ClinGen allele CA395649186.

ClinVar aggregate classification (germline): Uncertain significance (1 of 4 stars; one submission).

Conditions:
Generalized epilepsy with febrile seizures plus, type 9 (GEFSP9). Also called: GEFS+, TYPE 9. Identifiers: Orphanet 36387, MedGen C4015395, MONDO:0014517, OMIM 616172.

Submission:

Labcorp Genetics (formerly Invitae), Labcorp
Classification: Uncertain significance for Generalized epilepsy with febrile seizures plus, type 9. Last evaluated: 2021-01-19. Review status: criteria provided, single submitter. Criteria: Invitae Variant Classification Sherloc (09022015). Collection method: clinical testing. Allele origin: germline.
Comment: This variant has not been reported in the literature in individuals with STX1B-related conditions. In summary, the available evidence is currently insufficient to determine the role of this variant in disease. Therefore, it has been classified as a Variant of Uncertain Significance. Algorithms developed to predict the effect of missense changes on protein structure and function (SIFT, PolyPhen-2, Align-GVGD) all suggest that this variant is likely to be tolerated, but these predictions have not been confirmed by published functional studies and their clinical significance is uncertain. This variant is not present in population databases (ExAC no frequency). This sequence change replaces threonine with alanine at codon 131 of the STX1B protein (p.Thr131Ala). The threonine residue is highly conserved and there is a small physicochemical difference between threonine and alanine.